The following is an entry in ClinVar:

ClinVar aggregate classification (germline): Uncertain significance (1 of 4 stars; one submission).

Conditions:
Hereditary spastic paraplegia 30. Identifiers: Orphanet 101010, MedGen C5235139, MONDO:0012476.
Neuropathy, hereditary sensory, type 2C. Also called: Hereditary sensory and autonomic neuropathy type IIC; KIF1A-Related HSAN2 (HSAN2C). Identifiers: Orphanet 970, MedGen C3280168, MONDO:0013634, OMIM 614213.
Intellectual disability, autosomal dominant 9 (NESCAVS). Also called: NESCAV SYNDROME; KIF1A-Related Neurodevelopmental Disorder. Identifiers: Orphanet 662367, MedGen C5393830, MONDO:0013656, OMIM 614255.

Allele frequency attached by ClinVar (database versions not stated): TOPMed below 0.00001; gnomAD exomes below 0.00001.
gnomAD v4.1: 1 of 1,609,012 alleles (0.000062%); highest among the groups gnomAD compares: South Asian, 0.0011%; no homozygotes.

Submission:

Labcorp Genetics (formerly Invitae), Labcorp
Classification: Uncertain significance for Hereditary spastic paraplegia 30; Neuropathy, hereditary sensory, type 2C; Intellectual disability, autosomal dominant 9. Last evaluated: 2021-10-31. Review status: criteria provided, single submitter. Criteria: Invitae Variant Classification Sherloc (09022015). Collection method: clinical testing. Allele origin: germline.
Comment: In summary, the available evidence is currently insufficient to determine the role of this variant in disease. Therefore, it has been classified as a Variant of Uncertain Significance. Algorithms developed to predict the effect of missense changes on protein structure and function are either unavailable or do not agree on the potential impact of this missense change (SIFT: "Deleterious"; PolyPhen-2: "Possibly Damaging"; Align-GVGD: "Class C0"). This variant has not been reported in the literature in individuals affected with KIF1A-related conditions. The frequency data for this variant in the population databases is considered unreliable, as metrics indicate poor data quality at this position in the gnomAD database. This sequence change replaces leucine, which is neutral and non-polar, with phenylalanine, which is neutral and non-polar, at codon 758 of the KIF1A protein (p.Leu758Phe).

NM_001244008.2(KIF1A):c.2299C>T (p.Leu767Phe)

Gene: KIF1A (kinesin family member 1A; minus strand). Cytogenetic location: 2q37.3.
Variant type: single nucleotide variant.
Coding change: c.2299C>T on transcript NM_001244008.2 (MANE Select); coding-DNA position 2299, C replaced by T.
Protein change: p.Leu767Phe; replaces leucine 767 with phenylalanine.
Molecular consequence: missense variant.
Genome position (GRCh38, 1-based): chr2:240,760,810, G>A on the plus strand (C>T on the coding strand, the complement: KIF1A is on the minus strand). VCF-style: chr2-240760810-G-A. GRCh37 (hg19) VCF-style: chr2-241700227-G-A.
Other names: c.2299C>T, p.Leu767Phe (NM_001320705.2, NM_001330289.2, NM_001379638.1); c.2374C>T, p.Leu792Phe (NM_001330290.2, NM_001379631.1, NM_001379634.1 and 2 more transcripts); c.2272C>T, p.Leu758Phe (NM_001379632.1, NM_001379633.1, NM_001379636.1 and 10 more transcripts); c.2347C>T, p.Leu783Phe (NM_001379637.1, NM_001379648.1); short protein forms L758F, L767F, L783F, L792F.
Identifiers: ClinVar variation 1399144 (VCV001399144.6), dbSNP rs1402187925, ClinGen allele CA351325085.